The following is an entry in ClinVar:

ClinVar aggregate classification (germline): Uncertain significance (1 of 4 stars; one submission).

Submission:

GeneDx
Classification: Uncertain significance. Last evaluated: 2026-01-15. Review status: criteria provided, single submitter. Criteria: GeneDx Variant Classification Process June 2021. Collection method: clinical testing. Allele origin: germline. Affected: yes.
Comment: Not observed at significant frequency in large population cohorts (gnomAD); In silico analysis supports that this missense variant has a deleterious effect on protein structure/function; Has not been previously published as pathogenic or benign to our knowledge

NM_017617.5(NOTCH1):c.2417G>A (p.Cys806Tyr)

Gene: NOTCH1 (notch receptor 1; minus strand). Cytogenetic location: 9q34.3.
Variant type: single nucleotide variant.
Coding change: c.2417G>A on transcript NM_017617.5 (MANE Select); coding-DNA position 2417, G replaced by A.
Protein change: p.Cys806Tyr; replaces cysteine 806 with tyrosine.
Molecular consequence: missense variant.
Genome position (GRCh38, 1-based): chr9:136,513,071, C>T on the plus strand (G>A on the coding strand, the complement: NOTCH1 is on the minus strand). VCF-style: chr9-136513071-C-T. GRCh37 (hg19) VCF-style: chr9-139407523-C-T.
Other names: short protein forms C806Y.
Identifiers: ClinVar variation 1304124 (VCV001304124.4), dbSNP rs2133358057, ClinGen allele CA375556498.
Genomic context (GRCh38, chr9:136,513,071, plus strand): 5'-CACCCCTCACCTGTGTAGGGCAGCAGGCAGTTGCACTTGTACCCGGCAACGTCGTCAATA[C>T]ACGTGCCCTGGTTCAGACATGGGTTGGACGCACACTCGTTGATGTTGGTCTGGCAGTTGG-3'
Protein context (NP_060087.3, residues 796-816): ASNPCLNQGT[Cys806Tyr]IDDVAGYKCN